The following is an entry in ClinVar:

ClinVar aggregate classification (germline): Pathogenic (1 of 4 stars; one submission).

Conditions:
Koolen-de Vries syndrome (KDVS). Identifiers: Orphanet 96169, MedGen C1864871, MONDO:0012496, OMIM 610443.

Submission:

Laboratory of Medical Genetics, National & Kapodistrian University of Athens
Classification: Pathogenic for Koolen-de Vries syndrome. Last evaluated: 2023-09-04. Review status: criteria provided, single submitter. Criteria: ACMG Guidelines, 2015. Collection method: clinical testing. Allele origin: de novo. Affected: yes.
Comment: PVS1, PS2, PM2 - Low frequency in gnomAD population databases. In silico prediction tools estimated that the variant could be damaging for the protein function/stracture. Loss-of-function is a known mechanism of disease for this gene. The variant was detected de-novo (paternity confirmed).

NM_015443.4(KANSL1):c.1396C>T (p.Gln466Ter)

Gene: KANSL1 (KAT8 regulatory NSL complex subunit 1). Cytogenetic location: 17q21.31.
Variant type: single nucleotide variant.
Coding change: c.1396C>T on transcript NM_015443.4 (MANE Select); coding-DNA position 1396, C replaced by T.
Protein change: p.Gln466Ter; replaces glutamine 466 with a stop codon.
Molecular consequence: nonsense.
Genome position (GRCh38, 1-based): chr17:46,094,595, G>A on the plus strand (C>T on the coding strand, the complement: KANSL1 is on the minus strand). VCF-style: chr17-46094595-G-A. GRCh37 (hg19) VCF-style: chr17-44171961-G-A.
Other names: c.1396C>T, p.Gln466Ter (NM_001405881.1, NM_001405861.1, NM_001405872.1 and 18 more transcripts); c.130C>T, p.Gln44Ter (NM_001405882.1, NM_001405883.1, NM_001405884.1 and 1 more transcripts); short protein forms Q44*, Q466*.
Identifiers: ClinVar variation 3256553 (VCV003256553.1).